The following is an entry in ClinVar:

ClinVar aggregate classification (germline): Pathogenic (1 of 4 stars; one submission).

Conditions:
Lysosomal acid lipase deficiency. Also called: Acid cholesteryl ester hydrolase deficiency, type 2. Identifiers: Orphanet 275761, MedGen C5574740, MONDO:0800449, MONDO:0010204.

Submission:

Myriad Genetics, Inc.
Classification: Pathogenic for Lysosomal acid lipase deficiency. Last evaluated: 2025-01-26. Review status: criteria provided, single submitter. Criteria: Myriad Autosomal Dominant, Autosomal Recessive and X-Linked Classification Criteria (2023). Collection method: clinical testing. Allele origin: unknown.
Comment: NM_000235.2(LIPA):c.605delC(P202Lfs*15) is expected to be pathogenic in the context of lysosomal acid lipase deficiency. This variant is predicted to lead to an abnormal or absent protein product due to the creation of a premature termination codon in LIPA, a gene where loss-of-function variants are known to be pathogenic. Please note: this variant was assessed in the context of healthy population screening.

NM_000235.4(LIPA):c.605del (p.Pro202fs)

Gene: LIPA (lipase A, lysosomal acid type; minus strand). Cytogenetic location: 10q23.31.
Variant type: Deletion.
Coding change: c.605del on transcript NM_000235.4 (MANE Select); coding-DNA position 605, one base deleted (C; older notation c.605delC).
Protein change: p.Pro202fs; shifts the reading frame from proline 202.
Molecular consequence: frameshift variant.
Genome position (GRCh38, 1-based): chr10:89,225,162, G deleted on the plus strand (C on the coding strand, the reverse complement: LIPA is on the minus strand); the first of 2 consecutive G bases (chr10:89,225,162-89,225,163); deleting either gives the same sequence. VCF-style (leftmost placement, unchanged base first): chr10-89225161-AG-A. GRCh37 (hg19) VCF-style: chr10-90984918-AG-A.
Other names: c.605del, p.Pro202fs (NM_001127605.3, NM_001440818.1, NM_001440819.1 and 16 more transcripts); c.257del, p.Pro86fs (NM_001288979.2); c.737del, p.Pro246fs (NM_001440836.1); c.626del, p.Pro209fs (NM_001440837.1); c.620del, p.Pro207fs (NM_001440838.1); c.437del, p.Pro146fs (NM_001440839.1); short protein forms P146fs, P202fs, P207fs, P209fs, P246fs, P86fs.
Identifiers: ClinVar variation 5014019 (VCV005014019.1).
Genomic context (GRCh38, chr10:89,225,161, plus strand): 5'-ATGATCTGGTAATCGTCCTAATTTGGCCATAGGGCTAGTACAGAAGGCGACGGAAGCCAC[AG>A]GACCCAGGGCAAAAAACATTTTAATCCTTTTAGCCAGCTCAGGGATCTGTGAAAATGCTA-3'